The following is an entry in ClinVar:

ClinVar aggregate classification (germline): Uncertain significance (1 of 4 stars; one submission).

Conditions:
Early-infantile DEE. Also called: Ohtahara syndrome; Early infantile epileptic encephalopathy; Early infantile epileptic encephalopathy with suppression bursts. Identifiers: Orphanet 1934, MedGen C0393706, MONDO:0800491.

Submission:

Labcorp Genetics (formerly Invitae), Labcorp
Classification: Uncertain significance for Early-infantile DEE. Last evaluated: 2024-03-02. Review status: criteria provided, single submitter. Criteria: Invitae Variant Classification Sherloc (09022015). Collection method: clinical testing. Allele origin: germline.
Comment: This sequence change replaces proline, which is neutral and non-polar, with serine, which is neutral and polar, at codon 1799 of the SCN1A protein (p.Pro1799Ser). This variant is not present in population databases (gnomAD no frequency). This variant has not been reported in the literature in individuals affected with SCN1A-related conditions. ClinVar contains an entry for this variant (Variation ID: 2000002). Advanced modeling of protein sequence and biophysical properties (such as structural, functional, and spatial information, amino acid conservation, physicochemical variation, residue mobility, and thermodynamic stability) performed at Invitae indicates that this missense variant is expected to disrupt SCN1A protein function with a positive predictive value of 95%. In summary, the available evidence is currently insufficient to determine the role of this variant in disease. Therefore, it has been classified as a Variant of Uncertain Significance.

NM_001165963.4(SCN1A):c.5395C>T (p.Pro1799Ser)

Genes: SCN1A (sodium voltage-gated channel alpha subunit 1; minus strand), LOC102724058 (uncharacterized LOC102724058; plus strand). Cytogenetic location: 2q24.3.
Variant type: single nucleotide variant.
Coding change: c.5395C>T on transcript NM_001165963.4 (MANE Select); coding-DNA position 5395, C replaced by T.
Protein change: p.Pro1799Ser; replaces proline 1799 with serine.
Molecular consequence: missense variant. On other transcripts: non-coding transcript variant (1).
Genome position (GRCh38, 1-based): chr2:165,991,880, G>A on the plus strand (C>T on the coding strand, the complement: SCN1A is on the minus strand). VCF-style: chr2-165991880-G-A. GRCh37 (hg19) VCF-style: chr2-166848390-G-A.
Other names: c.5395C>T, p.Pro1799Ser (NM_001353948.2, NM_001202435.3); c.5362C>T, p.Pro1788Ser (NM_001353949.2, NM_001353950.2, NM_001353951.2 and 2 more transcripts); c.5359C>T, p.Pro1787Ser (NM_001353954.2, NM_001353955.2); c.5311C>T, p.Pro1771Ser (NM_001353957.2, NM_001353958.2, NM_001165964.3); c.5308C>T, p.Pro1770Ser (NM_001353960.2); c.2953C>T, p.Pro985Ser (NM_001353961.2); short protein forms P1770S, P1788S, P1799S, P985S, P1771S, P1787S.
Identifiers: ClinVar variation 2000002 (VCV002000002.4), dbSNP rs2468332326, ClinGen allele CA349067806.
Genomic context (GRCh38, chr2:165,991,880, plus strand): 5'-CATCGGGATCAAACTTCTCCCAAACCTCATAGAACATCTCAAAGTCATCCTCACTCAGAG[G>A]CTCTGCACTTTCTTCAGTAGCAACACTGAAGTTCTCCAGGATGACCGCGATGTACATGTT-3'
Protein context (NP_001159435.1, residues 1789-1809): FSVATEESAE[Pro1799Ser]LSEDDFEMFY